The following is an entry in ClinVar:

ClinVar aggregate classification (germline): Uncertain significance. Review status: criteria provided, multiple submitters, no conflicts (2 of 4 stars). 3 submissions from 3 submitters: Uncertain significance (3). Last evaluated 2025-11-04.

Conditions:
Inborn genetic diseases. Identifiers: MedGen C0950123, MeSH D030342.

Allele frequency attached by ClinVar (database versions not stated): gnomAD 0.00001; gnomAD exomes 0.00001; ExAC 0.00002; TOPMed 0.00003.

Submissions (3):

GeneDx
Classification: Uncertain significance. Last evaluated: 2025-11-04. Review status: criteria provided, single submitter. Criteria: GeneDx Variant Classification Process June 2021. Collection method: clinical testing. Allele origin: germline.
Comment: In silico analysis supports that this missense variant has a deleterious effect on protein structure/function; Has not been previously published as pathogenic or benign to our knowledge

Ambry Genetics
Classification: Uncertain significance for Inborn genetic diseases. Last evaluated: 2025-03-14. Review status: criteria provided, single submitter. Criteria: Ambry Variant Classification Scheme 2023. Collection method: clinical testing. Allele origin: germline.

Labcorp Genetics (formerly Invitae), Labcorp
Classification: Uncertain significance. Last evaluated: 2022-04-12. Review status: criteria provided, single submitter. Criteria: Invitae Variant Classification Sherloc (09022015). Collection method: clinical testing. Allele origin: germline.
Comment: This sequence change replaces leucine, which is neutral and non-polar, with phenylalanine, which is neutral and non-polar, at codon 1314 of the LAMA1 protein (p.Leu1314Phe). This variant is present in population databases (rs146952686, gnomAD 0.02%). This variant has not been reported in the literature in individuals affected with LAMA1-related conditions. Algorithms developed to predict the effect of missense changes on protein structure and function are either unavailable or do not agree on the potential impact of this missense change (SIFT: "Deleterious"; PolyPhen-2: "Probably Damaging"; Align-GVGD: "Class C0"). In summary, the available evidence is currently insufficient to determine the role of this variant in disease. Therefore, it has been classified as a Variant of Uncertain Significance.

NM_005559.4(LAMA1):c.3940C>T (p.Leu1314Phe)

Gene: LAMA1 (laminin subunit alpha 1; minus strand). Cytogenetic location: 18p11.31.
Variant type: single nucleotide variant.
Coding change: c.3940C>T on transcript NM_005559.4 (MANE Select); coding-DNA position 3940, C replaced by T.
Protein change: p.Leu1314Phe; replaces leucine 1314 with phenylalanine.
Molecular consequence: missense variant.
Genome position (GRCh38, 1-based): chr18:7,009,300, G>A on the plus strand (C>T on the coding strand, the complement: LAMA1 is on the minus strand). VCF-style: chr18-7009300-G-A. GRCh37 (hg19) VCF-style: chr18-7009299-G-A.
Other names: c.3940C>T (NM_005559.3); short protein forms L1314F.
Identifiers: ClinVar variation 1910854 (VCV001910854.6), dbSNP rs146952686, ClinGen allele CA8882093.